The following is an entry in ClinVar:

NM_006586.5(CNPY3):c.361C>T (p.Arg121Ter)

Genes: CNPY3 (canopy FGF signaling regulator 3; plus strand), CNPY3-GNMT (CNPY3-GNMT readthrough; plus strand). Cytogenetic location: 6p21.1.
Variant type: single nucleotide variant.
Coding change: c.361C>T on transcript NM_006586.5 (MANE Select); coding-DNA position 361, C replaced by T.
Protein change: p.Arg121Ter; replaces arginine 121 with a stop codon.
Molecular consequence: nonsense. On other transcripts: 3 prime UTR variant (1), non-coding transcript variant (7), intron variant (3).
Genome position (GRCh38, 1-based): chr6:42,935,659, C>T. VCF-style: chr6-42935659-C-T. GRCh37 (hg19) VCF-style: chr6-42903397-C-T.
Other names: c.460C>T, p.Arg154Ter (NM_001318842.1); c.94C>T, p.Arg32Ter (NM_001318845.1); c.*72C>T (NM_001318847.2); c.361C>T, p.Arg121Ter (NM_001318848.2); c.8+5938C>T (NM_001318856.2); c.151+5938C>T (NM_001318857.2, NM_001318858.2); short protein forms R121*, R154*, R32*.
Identifiers: ClinVar variation 4531228 (VCV004531228.2).

ClinVar aggregate classification (germline): Conflicting classifications of pathogenicity. Review status: criteria provided, conflicting classifications (1 of 4 stars). 2 submissions from 2 submitters: Likely pathogenic (1); Uncertain significance (1). Last evaluated 2023-12-12.

Conditions:
Developmental and epileptic encephalopathy, 60. Also called: EPILEPTIC ENCEPHALOPATHY, EARLY INFANTILE, 60. Identifiers: MedGen C4693663, MONDO:0033369, OMIM 617929.

Submissions (2):

Blueprint Genetics
Classification: Uncertain significance. Last evaluated: 2023-12-12. Review status: criteria provided, single submitter. Criteria: ACMG Guidelines, 2015. Collection method: clinical testing. Allele origin: germline.

Juno Genomics, Hangzhou Juno Genomics, Inc
Classification: Likely pathogenic for Developmental and epileptic encephalopathy, 60. Review status: criteria provided, single submitter. Criteria: ACMG Guidelines, 2015. Collection method: clinical testing. Allele origin: germline. Affected: yes.
Comment: Absent from controls (or at extremely low frequency if recessive) in Genome Aggregation Database, Exome Sequencing Project, 1000 Genomes Project, or Exome Aggregation Consortium.;Null variant in a gene where loss of function (LOF) is a known mechanism of disease.